The following is an entry in ClinVar:

ClinVar aggregate classification (germline): Likely benign. Review status: criteria provided, multiple submitters, no conflicts (2 of 4 stars). 2 submissions from 2 submitters: Likely benign (2). Last evaluated 2026-08-14.

Conditions:
Hereditary cancer-predisposing syndrome. Also called: Neoplastic Syndromes, Hereditary; Tumor predisposition; Hereditary Cancer Syndrome; Hereditary neoplastic syndrome. Identifiers: Orphanet 140162, MedGen C0027672, MeSH D009386, MONDO:0015356.
RET-related disorder. Also called: RET-related condition; RET-related disease; RET-related disorders.

Submissions (2):

Ambry Genetics
Classification: Likely benign for Hereditary cancer-predisposing syndrome. Last evaluated: 2026-08-14. Review status: criteria provided, single submitter. Criteria: Ambry Variant Classification Scheme 2023. Collection method: clinical testing. Allele origin: germline.

PreventionGenetics, part of Exact Sciences
Classification: Likely benign for RET-related condition. Last evaluated: 2026-01-09. Review status: criteria provided, single submitter. Criteria: ACMG Guidelines, 2015. Collection method: clinical testing. Allele origin: germline.
Comment: This variant is classified as likely benign based on ACMG/AMP sequence variant interpretation guidelines (Richards et al. 2015 PMID: 25741868, with internal and published modifications).

NM_020975.6(RET):c.732C>G (p.Thr244=)

Gene: RET (ret proto-oncogene; plus strand). Cytogenetic location: 10q11.21.
Variant type: single nucleotide variant.
Coding change: c.732C>G on transcript NM_020975.6 (MANE Select); coding-DNA position 732, C replaced by G.
Protein change: p.Thr244=; no amino-acid change (threonine 244 retained).
Molecular consequence: synonymous variant. On other transcripts: 5 prime UTR variant (1), intron variant (22).
Genome position (GRCh38, 1-based): chr10:43,105,058, C>G. VCF-style: chr10-43105058-C-G. GRCh37 (hg19) VCF-style: chr10-43600506-C-G.
Other names: c.-31C>G (NM_001355216.2); c.732C>G, p.Thr244= (NM_001406743.1, NM_001406744.1, NM_001406759.1 and 6 more transcripts); c.603C>G, p.Thr201= (NM_001406761.1, NM_001406762.1, NM_001406764.1 and 2 more transcripts); c.444C>G, p.Thr148= (NM_001406766.1, NM_001406767.1, NM_001406770.1); c.625+2429C>G (NM_001406773.1, NM_001406771.1, NM_001406782.1 and 5 more transcripts); c.496+2429C>G (NM_001406786.1, NM_001406783.1); c.338-3973C>G (NM_001406778.1, NM_001406775.1, NM_001406776.1 and 1 more transcripts); c.337+4336C>G (NM_001406790.1, NM_001406788.1, NM_001406789.1 and 1 more transcripts); and 2 more.
Identifiers: ClinVar variation 4980751 (VCV004980751.2).